The following is an entry in ClinVar:

ClinVar aggregate classification (germline): Conflicting classifications of pathogenicity. Review status: criteria provided, conflicting classifications (1 of 4 stars). 2 submissions from 2 submitters: Uncertain significance (1); Likely benign (1). Last evaluated 2022-11-01.

Conditions:
PMM2-congenital disorder of glycosylation. Also called: CDG Ia; PHOSPHOMANNOMUTASE 2 DEFICIENCY; CARBOHYDRATE-DEFICIENT GLYCOPROTEIN SYNDROME, TYPE Ia; PMM2-CDG; JAEKEN SYNDROME; Congenital disorder of glycosylation, type Ia. Identifiers: Orphanet 79318, MedGen C0349653, MONDO:0008907, OMIM 212065.

Allele frequency attached by ClinVar (database versions not stated): 1000 Genomes Project 0.00060; 1000 Genomes Project 30x 0.00062; gnomAD exomes 0.00230; TOPMed 0.00249; gnomAD 0.00288 and 0.00352.
gnomAD v4.1: 578 of 186,160 alleles (0.31%); highest among the groups gnomAD compares: Non-Finnish European, 0.38%; 5 homozygotes.

Submissions (2):

CeGaT Center for Human Genetics Tuebingen
Classification: Likely benign. Last evaluated: 2022-11-01. Review status: criteria provided, single submitter. Criteria: CeGaT Center For Human Genetics Tuebingen Variant Classification Criteria Version 2. Collection method: clinical testing. Allele origin: germline. Affected: yes. Observed: 1 variant allele.
Comment: PMM2: BS1

Illumina Laboratory Services, Illumina
Classification: Uncertain significance for PMM2-congenital disorder of glycosylation. Last evaluated: 2018-01-13. Review status: criteria provided, single submitter. Criteria: ICSL Variant Classification Criteria 13 December 2019. Collection method: clinical testing. Allele origin: germline.

NM_000303.3(PMM2):c.*492C>G

Gene: PMM2 (phosphomannomutase 2; plus strand). Cytogenetic location: 16p13.2.
Variant type: single nucleotide variant.
Coding change: c.*492C>G on transcript NM_000303.3 (MANE Select); 492 bases downstream of the stop codon, C replaced by G.
Molecular consequence: 3 prime UTR variant.
Genome position (GRCh38, 1-based): chr16:8,848,317, C>G. VCF-style: chr16-8848317-C-G. GRCh37 (hg19) VCF-style: chr16-8942174-C-G.
Identifiers: ClinVar variation 321241 (VCV000321241.34), dbSNP rs548732618, ClinGen allele CA10649252.
Genomic context (GRCh38, chr16:8,848,317, plus strand): 5'-AATGAGAAACCAGGACAGGCCATCTGCAGTGACCCAGCCCAGGACGAAGTTTACAAACAC[C>G]TCCTGGAACGAAGCTCCCGCCTGCATGTCACCTTGATGGGGGCTGTGAGTGGGGCAGTGT-3'